The following is an entry in ClinVar:

NM_006648.4(WNK2):c.4400A>T (p.Asp1467Val)

Gene: WNK2 (WNK lysine deficient protein kinase 2; plus strand). Cytogenetic location: 9q22.31.
Variant type: single nucleotide variant.
Coding change: c.4400A>T on transcript NM_006648.4 (MANE Select); coding-DNA position 4400, A replaced by T.
Protein change: p.Asp1467Val; replaces aspartic acid 1467 with valine.
Molecular consequence: missense variant.
Genome position (GRCh38, 1-based): chr9:93,289,154, A>T. VCF-style: chr9-93289154-A-T. GRCh37 (hg19) VCF-style: chr9-96051436-A-T.
Other names: c.4511A>T, p.Asp1504Val (NM_001282394.3); short protein forms D1467V, D1504V.
Identifiers: ClinVar variation 3817226 (VCV003817226.1).
Genomic context (GRCh38, chr9:93,289,154, plus strand): 5'-AGCCCCTCGTGGTGGGCCTAGCACCTTGCACTCCAGCTCCAGAGGCTGCCTCAACCAGGG[A>T]CGCCAGTGCCCCAAGGGAGCCCCTGCCACCTCCTGCACCTGAGCCCAGCCCCCACAGCGG-3'
Protein context (NP_006639.3, residues 1457-1477): TPAPEAASTR[Asp1467Val]ASAPREPLPP

ClinVar aggregate classification (germline): Uncertain significance (1 of 4 stars; one submission).

Submission:

Ambry Genetics
Classification: Uncertain significance. Last evaluated: 2025-03-07. Review status: criteria provided, single submitter. Criteria: Ambry Variant Classification Scheme 2023. Collection method: clinical testing. Allele origin: germline.
Comment: The p.D1467V variant (also known as c.4400A>T), located in coding exon 19 of the WNK2 gene, results from an A to T substitution at nucleotide position 4400. The aspartic acid at codon 1467 is replaced by valine, an amino acid with highly dissimilar properties. This amino acid position is conserved. In addition, this alteration is predicted to be tolerated by in silico analysis. Based on the available evidence, the clinical significance of this variant remains unclear.